The following is an entry in ClinVar:

ClinVar aggregate classification (germline): Uncertain significance (1 of 4 stars; one submission).

Conditions:
Early-onset Lafora body disease. Also called: Epilepsy, progressive myoclonic, 10. Identifiers: Orphanet 324290, MedGen C4225258, MONDO:0014717, OMIM 616640.

Allele frequency attached by ClinVar (database versions not stated): ExAC below 0.00001; TOPMed below 0.00001; gnomAD exomes 0.00001 and 0.00005.
gnomAD v4.1: 6 of 1,537,612 alleles (0.00039%); highest among the groups gnomAD compares: Admixed American, 0.012%; no homozygotes.

Submission:

Labcorp Genetics (formerly Invitae), Labcorp
Classification: Uncertain significance for Early-onset Lafora body disease. Last evaluated: 2022-11-21. Review status: criteria provided, single submitter. Criteria: Invitae Variant Classification Sherloc (09022015). Collection method: clinical testing. Allele origin: germline.
Comment: In summary, the available evidence is currently insufficient to determine the role of this variant in disease. Therefore, it has been classified as a Variant of Uncertain Significance. Algorithms developed to predict the effect of missense changes on protein structure and function (SIFT, PolyPhen-2, Align-GVGD) all suggest that this variant is likely to be tolerated. ClinVar contains an entry for this variant (Variation ID: 834785). This variant has not been reported in the literature in individuals affected with PRDM8-related conditions. This variant is present in population databases (rs753837771, gnomAD 0.03%). This sequence change replaces serine, which is neutral and polar, with threonine, which is neutral and polar, at codon 564 of the PRDM8 protein (p.Ser564Thr).

NM_001099403.2(PRDM8):c.1691G>C (p.Ser564Thr)

Gene: PRDM8 (PR/SET domain 8; plus strand). Cytogenetic location: 4q21.21.
Variant type: single nucleotide variant.
Coding change: c.1691G>C on transcript NM_001099403.2 (MANE Select); coding-DNA position 1691, G replaced by C.
Protein change: p.Ser564Thr; replaces serine 564 with threonine.
Molecular consequence: missense variant.
Genome position (GRCh38, 1-based): chr4:80,203,153, G>C. VCF-style: chr4-80203153-G-C. GRCh37 (hg19) VCF-style: chr4-81124307-G-C.
Other names: c.1691G>C, p.Ser564Thr (NM_020226.4); short protein forms S564T.
Identifiers: ClinVar variation 834785 (VCV000834785.7), dbSNP rs753837771, ClinGen allele CA2982433.